The following is an entry in ClinVar:

NM_001365951.3(KIF1B):c.4037C>G (p.Ser1346Cys)

Gene: KIF1B (kinesin family member 1B; plus strand). Cytogenetic location: 1p36.22.
Variant type: single nucleotide variant.
Coding change: c.4037C>G on transcript NM_001365951.3 (MANE Select); coding-DNA position 4037, C replaced by G.
Protein change: p.Ser1346Cys; replaces serine 1346 with cysteine.
Molecular consequence: missense variant.
Genome position (GRCh38, 1-based): chr1:10,352,718, C>G. VCF-style: chr1-10352718-C-G. GRCh37 (hg19) VCF-style: chr1-10412776-C-G.
Other names: c.4037C>G, p.Ser1346Cys (NM_001365952.1); c.3899C>G, p.Ser1300Cys (NM_015074.3); short protein forms S1300C, S1346C.
Identifiers: ClinVar variation 874243 (VCV000874243.9), dbSNP rs1377919163, ClinGen allele CA338344489.

ClinVar aggregate classification (germline): Uncertain significance. Review status: criteria provided, multiple submitters, no conflicts (2 of 4 stars). 3 submissions from 3 submitters: Uncertain significance (3). Last evaluated 2025-07-01.

Conditions:
Charcot-Marie-Tooth disease type 2. Also called: Charcot-Marie-Tooth type 2. Identifiers: Orphanet 64746, MedGen C0270914, MONDO:0018993.
Neuroblastoma (NB). Identifiers: Orphanet 635, MedGen C0027819, MeSH D009447, MONDO:0005072, HP:0003006.

Allele frequency attached by ClinVar (database versions not stated): gnomAD 0.00002; TOPMed 0.00002.
gnomAD v4.1: 4 of 1,613,474 alleles (0.00025%); highest among the groups gnomAD compares: African/African-American, 0.0013%; no homozygotes.

Submissions (3):

Labcorp Genetics (formerly Invitae), Labcorp
Classification: Uncertain significance for Charcot-Marie-Tooth disease type 2. Last evaluated: 2025-07-01. Review status: criteria provided, single submitter. Criteria: Invitae Variant Classification Sherloc (09022015). Collection method: clinical testing. Allele origin: germline.
Comment: This sequence change replaces serine, which is neutral and polar, with cysteine, which is neutral and slightly polar, at codon 1300 of the KIF1B protein (p.Ser1300Cys). This variant is not present in population databases (gnomAD no frequency). This variant has not been reported in the literature in individuals affected with KIF1B-related conditions. ClinVar contains an entry for this variant (Variation ID: 874243). An algorithm developed to predict the effect of missense changes on protein structure and function (PolyPhen-2) suggests that this variant is likely to be disruptive. In summary, the available evidence is currently insufficient to determine the role of this variant in disease. Therefore, it has been classified as a Variant of Uncertain Significance.

Ambry Genetics
Classification: Uncertain significance. Last evaluated: 2022-05-16. Review status: criteria provided, single submitter. Criteria: Ambry Variant Classification Scheme 2023. Collection method: clinical testing. Allele origin: germline.
Comment: The p.S1300C variant (also known as c.3899C>G), located in coding exon 35 of the KIF1B gene, results from a C to G substitution at nucleotide position 3899. The serine at codon 1300 is replaced by cysteine, an amino acid with dissimilar properties. This amino acid position is conserved. In addition, this alteration is predicted to be tolerated by in silico analysis. Since supporting evidence is limited at this time, the clinical significance of this alteration remains unclear.

Illumina Laboratory Services, Illumina
Classification: Uncertain significance for Neuroblastoma. Last evaluated: 2018-01-12. Review status: criteria provided, single submitter. Criteria: ICSL Variant Classification Criteria 13 December 2019. Collection method: clinical testing. Allele origin: germline.